The following is an entry in ClinVar:

NM_005120.3(MED12):c.4762G>T (p.Val1588Leu)

Gene: MED12 (mediator complex subunit 12; plus strand). Cytogenetic location: Xq13.1.
Variant type: single nucleotide variant.
Coding change: c.4762G>T on transcript NM_005120.3 (MANE Select); coding-DNA position 4762, G replaced by T.
Protein change: p.Val1588Leu; replaces valine 1588 with leucine.
Molecular consequence: missense variant.
Genome position (GRCh38, 1-based): chrX:71,134,747, G>T. VCF-style: chrX-71134747-G-T. GRCh37 (hg19) VCF-style: chrX-70354597-G-T.
Other names: c.4762G>T (NM_005120.2); short protein forms V1588L.
Identifiers: ClinVar variation 1390391 (VCV001390391.7), dbSNP rs767396596, ClinGen allele CA413532254.

ClinVar aggregate classification (germline): Uncertain significance. Review status: criteria provided, multiple submitters, no conflicts (2 of 4 stars). 2 submissions from 2 submitters: Uncertain significance (2). Last evaluated 2025-06-15.

Conditions:
FG syndrome (FGS). Identifiers: MedGen C0220769, MONDO:0002010.
Familial thoracic aortic aneurysm and aortic dissection (TAAD). Also called: Thoracic aortic aneurysms and dissections. Identifiers: Orphanet 91387, MedGen C4707243, MONDO:0019625.

Submissions (2):

Ambry Genetics
Classification: Uncertain significance for Familial thoracic aortic aneurysm and aortic dissection. Last evaluated: 2025-06-15. Review status: criteria provided, single submitter. Criteria: Ambry Variant Classification Scheme 2023. Collection method: clinical testing. Allele origin: germline.
Comment: The p.V1588L variant (also known as c.4762G>T), located in coding exon 35 of the MED12 gene, results from a G to T substitution at nucleotide position 4762. The valine at codon 1588 is replaced by leucine, an amino acid with highly similar properties. This amino acid position is conserved. In addition, the in silico prediction for this alteration is inconclusive. Based on the available evidence, the clinical significance of this variant remains unclear.

Labcorp Genetics (formerly Invitae), Labcorp
Classification: Uncertain significance for FG syndrome. Last evaluated: 2021-10-31. Review status: criteria provided, single submitter. Criteria: Invitae Variant Classification Sherloc (09022015). Collection method: clinical testing. Allele origin: germline.
Comment: In summary, the available evidence is currently insufficient to determine the role of this variant in disease. Therefore, it has been classified as a Variant of Uncertain Significance. Advanced modeling of protein sequence and biophysical properties (such as structural, functional, and spatial information, amino acid conservation, physicochemical variation, residue mobility, and thermodynamic stability) performed at Invitae indicates that this missense variant is expected to disrupt MED12 protein function. This variant has not been reported in the literature in individuals affected with MED12-related conditions. This variant is not present in population databases (gnomAD no frequency). This sequence change replaces valine, which is neutral and non-polar, with leucine, which is neutral and non-polar, at codon 1588 of the MED12 protein (p.Val1588Leu).